The following is an entry in ClinVar:

ClinVar aggregate classification (germline): Uncertain significance (1 of 4 stars; one submission).

Conditions:
Rhabdoid tumor predisposition syndrome 2 (RTPS2). Identifiers: Orphanet 231108, Orphanet 69077, MedGen C2750074, MONDO:0013224, OMIM 613325.

gnomAD v4.1: 1 of 1,612,598 alleles (0.000062%); highest among the groups gnomAD compares: Non-Finnish European, 0.000085%; no homozygotes.

Submission:

Labcorp Genetics (formerly Invitae), Labcorp
Classification: Uncertain significance for Rhabdoid tumor predisposition syndrome 2. Last evaluated: 2019-12-25. Review status: criteria provided, single submitter. Criteria: Invitae Variant Classification Sherloc (09022015). Collection method: clinical testing. Allele origin: germline.
Comment: Algorithms developed to predict the effect of missense changes on protein structure and function output the following: SIFT: "Tolerated"; PolyPhen-2: "Benign"; Align-GVGD: "Class C0". The glutamic acid amino acid residue is found in multiple mammalian species, suggesting that this missense change does not adversely affect protein function. These predictions have not been confirmed by published functional studies and their clinical significance is uncertain. In summary, the available evidence is currently insufficient to determine the role of this variant in disease. Therefore, it has been classified as a Variant of Uncertain Significance. This variant has not been reported in the literature in individuals with SMARCA4-related conditions. This variant is not present in population databases (ExAC no frequency). This sequence change replaces aspartic acid with glutamic acid at codon 1467 of the SMARCA4 protein (p.Asp1467Glu). The aspartic acid residue is highly conserved and there is a small physicochemical difference between aspartic acid and glutamic acid.

NM_003072.5(SMARCA4):c.4305C>G (p.Asp1435Glu)

Gene: SMARCA4 (SWI/SNF related BAF chromatin remodeling complex subunit ATPase 4; plus strand). Cytogenetic location: 19p13.2.
Variant type: single nucleotide variant.
Coding change: c.4305C>G on transcript NM_003072.5 (MANE Select); coding-DNA position 4305, C replaced by G.
Protein change: p.Asp1435Glu; replaces aspartic acid 1435 with glutamic acid.
Molecular consequence: missense variant. On other transcripts: non-coding transcript variant (1).
Genome position (GRCh38, 1-based): chr19:11,041,441, C>G. VCF-style: chr19-11041441-C-G. GRCh37 (hg19) VCF-style: chr19-11152117-C-G.
Other names: c.4305C>G, p.Asp1435Glu (NM_001128844.3); c.4215C>G, p.Asp1405Glu (NM_001128845.2, NM_001128846.2); c.4206C>G, p.Asp1402Glu (NM_001128847.4, NM_001128848.2, NM_001374457.1); c.4401C>G, p.Asp1467Glu (NM_001128849.3); short protein forms D1467E, D1402E, D1435E, D1405E.
Identifiers: ClinVar variation 850050 (VCV000850050.10), dbSNP rs771071300, ClinGen allele CA404073729.